The following is an entry in ClinVar:

NM_002204.4(ITGA3):c.630_631del (p.Tyr211fs)

Gene: ITGA3 (integrin subunit alpha 3; plus strand). Cytogenetic location: 17q21.33.
Variant type: Microsatellite.
Coding change: c.630_631del on transcript NM_002204.4 (MANE Select); coding-DNA positions 630 to 631, 2 bases deleted (GT; older notation c.630_631delGT).
Protein change: p.Tyr211fs; shifts the reading frame from tyrosine 211.
Molecular consequence: frameshift variant.
Genome position (GRCh38, 1-based): chr17:50,068,271-50,068,272, GT deleted; deleting any 2 consecutive bases within chr17:50,068,268-50,068,272 gives the same sequence; the c. name uses the placement nearest the transcript's 3' end. VCF-style (leftmost placement, unchanged base first): chr17-50068267-CTG-C. GRCh37 (hg19) VCF-style: chr17-48145631-CTG-C.
Other names: short protein forms Y211fs.
Identifiers: ClinVar variation 4982727 (VCV004982727.1).

ClinVar aggregate classification (germline): Likely pathogenic (1 of 4 stars; one submission).

Conditions:
ITGA3-related disorder. Also called: ITGA3-related condition.

Submission:

PreventionGenetics, part of Exact Sciences
Classification: Likely pathogenic for ITGA3-related condition. Last evaluated: 2025-11-24. Review status: criteria provided, single submitter. Criteria: ACMG Guidelines, 2015. Collection method: clinical testing. Allele origin: germline.
Comment: The ITGA3 c.630_631delGT variant is predicted to result in a frameshift and premature protein termination (p.Tyr211Leufs*25). To our knowledge, this variant has not been reported in the literature or in a large population database (gnomAD), indicating this variant is rare. Frameshift variants in ITGA3 are expected to be pathogenic. This variant is interpreted as likely pathogenic.